The following is an entry in ClinVar:

ClinVar aggregate classification (germline): Uncertain significance (1 of 4 stars; one submission).

Submission:

Labcorp Genetics (formerly Invitae), Labcorp
Classification: Uncertain significance. Last evaluated: 2022-05-05. Review status: criteria provided, single submitter. Criteria: Invitae Variant Classification Sherloc (09022015). Collection method: clinical testing. Allele origin: germline.
Comment: In summary, the available evidence is currently insufficient to determine the role of this variant in disease. Therefore, it has been classified as a Variant of Uncertain Significance. Algorithms developed to predict the effect of missense changes on protein structure and function are either unavailable or do not agree on the potential impact of this missense change (SIFT: "Not Available"; PolyPhen-2: "Benign"; Align-GVGD: "Not Available"). This variant has not been reported in the literature in individuals affected with VPS13D-related conditions. This variant is not present in population databases (gnomAD no frequency). This sequence change replaces leucine, which is neutral and non-polar, with phenylalanine, which is neutral and non-polar, at codon 2857 of the VPS13D protein (p.Leu2857Phe).

NM_015378.4(VPS13D):c.8569C>T (p.Leu2857Phe)

Gene: VPS13D (vacuolar protein sorting 13 homolog D; plus strand). Cytogenetic location: 1p36.22.
Variant type: single nucleotide variant.
Coding change: c.8569C>T on transcript NM_015378.4 (MANE Select); coding-DNA position 8569, C replaced by T.
Protein change: p.Leu2857Phe; replaces leucine 2857 with phenylalanine.
Molecular consequence: missense variant. On other transcripts: intron variant (1).
Genome position (GRCh38, 1-based): chr1:12,338,248, C>T. VCF-style: chr1-12338248-C-T. GRCh37 (hg19) VCF-style: chr1-12398305-C-T.
Other names: c.8551+2421C>T (NM_018156.4); short protein forms L2857F.
Identifiers: ClinVar variation 2133646 (VCV002133646.4), dbSNP rs2524302096, ClinGen allele CA338488468.